The following is an entry in ClinVar:

ClinVar aggregate classification (germline): Uncertain significance. Review status: criteria provided, multiple submitters, no conflicts (2 of 4 stars). 3 submissions from 3 submitters: Uncertain significance (3). Last evaluated 2025-04-28.

Conditions:
Inborn genetic diseases. Identifiers: MedGen C0950123, MeSH D030342.
Jeune thoracic dystrophy. Also called: Short-rib thoracic dysplasia; Jeune syndrome; Infantile thoracic dystrophy; Thoracic pelvic phalangeal dystrophy; Jeune's syndrome; Chondroectodermal dysplasia-like syndrome. Identifiers: Orphanet 474, MedGen C0265275, MONDO:0018770.

Allele frequency attached by ClinVar (database versions not stated): ExAC 0.00001; TOPMed 0.00002; gnomAD 0.00003; gnomAD exomes 0.00008.
gnomAD v4.1: 118 of 1,576,000 alleles (0.0075%); highest among the groups gnomAD compares: Non-Finnish European, 0.0097%; no homozygotes.

Submissions (3):

GeneDx
Classification: Uncertain significance. Last evaluated: 2025-04-28. Review status: criteria provided, single submitter. Criteria: GeneDx Variant Classification Process June 2021. Collection method: clinical testing. Allele origin: germline. Affected: yes.
Comment: Not observed at significant frequency in large population cohorts (gnomAD); In silico analysis supports that this missense variant has a deleterious effect on protein structure/function; Has not been previously published as pathogenic or benign to our knowledge

Labcorp Genetics (formerly Invitae), Labcorp
Classification: Uncertain significance for Jeune thoracic dystrophy. Last evaluated: 2024-10-07. Review status: criteria provided, single submitter. Criteria: Invitae Variant Classification Sherloc (09022015). Collection method: clinical testing. Allele origin: germline.
Comment: This sequence change replaces asparagine, which is neutral and polar, with serine, which is neutral and polar, at codon 90 of the DYNC2H1 protein (p.Asn90Ser). This variant is present in population databases (rs760706534, gnomAD 0.003%). This variant has not been reported in the literature in individuals affected with DYNC2H1-related conditions. ClinVar contains an entry for this variant (Variation ID: 2152393). Invitae Evidence Modeling of protein sequence and biophysical properties (such as structural, functional, and spatial information, amino acid conservation, physicochemical variation, residue mobility, and thermodynamic stability) has been performed for this missense variant. However, the output from this modeling did not meet the statistical confidence thresholds required to predict the impact of this variant on DYNC2H1 protein function. In summary, the available evidence is currently insufficient to determine the role of this variant in disease. Therefore, it has been classified as a Variant of Uncertain Significance.

Ambry Genetics
Classification: Uncertain significance for Inborn genetic diseases. Last evaluated: 2024-05-26. Review status: criteria provided, single submitter. Criteria: Ambry Variant Classification Scheme 2023. Collection method: clinical testing. Allele origin: germline.

NM_001377.3(DYNC2H1):c.269A>G (p.Asn90Ser)

Gene: DYNC2H1 (dynein cytoplasmic 2 heavy chain 1; plus strand). Cytogenetic location: 11q22.3.
Variant type: single nucleotide variant.
Coding change: c.269A>G on transcript NM_001377.3 (MANE Select); coding-DNA position 269, A replaced by G.
Protein change: p.Asn90Ser; replaces asparagine 90 with serine.
Molecular consequence: missense variant.
Genome position (GRCh38, 1-based): chr11:103,113,610, A>G. VCF-style: chr11-103113610-A-G. GRCh37 (hg19) VCF-style: chr11-102984339-A-G.
Other names: c.269A>G, p.Asn90Ser (NM_001080463.2); c.269A>G (NM_001080463.1); short protein forms N90S.
Identifiers: ClinVar variation 2152393 (VCV002152393.4), dbSNP rs760706534, ClinGen allele CA6252440.